The following is an entry in ClinVar:

ClinVar aggregate classification (germline): Uncertain significance (1 of 4 stars; one submission).

Conditions:
Hereditary cancer-predisposing syndrome. Also called: Neoplastic Syndromes, Hereditary; Tumor predisposition; Hereditary Cancer Syndrome; Hereditary neoplastic syndrome. Identifiers: Orphanet 140162, MedGen C0027672, MeSH D009386, MONDO:0015356.

Submission:

Ambry Genetics
Classification: Uncertain significance for Hereditary cancer-predisposing syndrome. Last evaluated: 2019-11-12. Review status: criteria provided, single submitter. Criteria: Ambry Variant Classification Scheme 2023. Collection method: clinical testing. Allele origin: germline.
Comment: The p.E271A variant (also known as c.812A>C), located in coding exon 4 of the MSH6 gene, results from an A to C substitution at nucleotide position 812. The glutamic acid at codon 271 is replaced by alanine, an amino acid with dissimilar properties. This amino acid position is not well conserved in available vertebrate species. In addition, the in silico prediction for this alteration is inconclusive. Since supporting evidence is limited at this time, the clinical significance of this alteration remains unclear.

NM_000179.3(MSH6):c.812A>C (p.Glu271Ala)

Gene: MSH6 (mutS homolog 6; plus strand). Cytogenetic location: 2p16.3.
Variant type: single nucleotide variant.
Coding change: c.812A>C on transcript NM_000179.3 (MANE Select); coding-DNA position 812, A replaced by C.
Protein change: p.Glu271Ala; replaces glutamic acid 271 with alanine.
Molecular consequence: missense variant. On other transcripts: 5 prime UTR variant (2).
Genome position (GRCh38, 1-based): chr2:47,798,795, A>C. VCF-style: chr2-47798795-A-C. GRCh37 (hg19) VCF-style: chr2-48025934-A-C.
Other names: c.422A>C, p.Glu141Ala (NM_001281492.2); c.-95A>C (NM_001281493.2, NM_001281494.2, NM_001406811.1 and 6 more transcripts); c.908A>C, p.Glu303Ala (NM_001406795.1, NM_001406802.1); c.812A>C, p.Glu271Ala (NM_001406796.1, NM_001406798.1, NM_001406800.1 and 4 more transcripts); c.515A>C, p.Glu172Ala (NM_001406797.1, NM_001406801.1, NM_001406805.1 and 10 more transcripts); c.287A>C, p.Glu96Ala (NM_001406799.1, NM_001406806.1, NM_001406807.1); c.734A>C, p.Glu245Ala (NM_001406804.1); c.818A>C, p.Glu273Ala (NM_001406813.1); and 1 more; short protein forms E141A, E172A, E271A, E273A, E303A, E96A, E215A, E245A.
Identifiers: ClinVar variation 1762108 (VCV001762108.2), dbSNP rs2104299065, ClinGen allele CA346740384.
Genomic context (GRCh38, chr2:47,798,795, plus strand): 5'-TATCAGATTCTGAGAGTGACATTGGTGGCTCTGATGTGGAATTTAAGCCAGACACTAAGG[A>C]GGAAGGAAGCAGTGATGAAATAAGCAGTGGAGTGGGGGATAGTGAGAGTGAAGGCCTGAA-3'
Protein context (NP_000170.1, residues 261-281): SDVEFKPDTK[Glu271Ala]EGSSDEISSG